The following is an entry in ClinVar:

NM_004006.3(DMD):c.10260_10262+2dup

Gene: DMD (dystrophin; minus strand). Cytogenetic location: Xp21.2.
Variant type: Duplication.
Coding change: c.10260_10262+2dup on transcript NM_004006.3 (MANE Select); coding-DNA position 10260 through the canonical splice donor site of the intron after coding-DNA position 10262, 5 bases duplicated (TGCGT; older notation c.10260_10262+2dupTGCGT).
Molecular consequence: splice donor variant. On other transcripts: intron variant (5).
Genome position (GRCh38, 1-based): chrX:31,177,930-31,177,934, ACGCA duplicated on the plus strand (TGCGT on the coding strand, the reverse complement: DMD is on the minus strand). VCF-style (leftmost placement, unchanged base first): chrX-31177929-C-CACGCA. GRCh37 (hg19) VCF-style: chrX-31196046-C-CACGCA.
Other names: c.10236_10238+2dup (NM_000109.4); c.6237_6239+2dup (NM_004011.4); c.6228_6230+2dup (NM_004012.4); c.2843+735_2843+739dup (NM_004023.3, NM_004020.4, NM_004022.3); c.2880_2882+2dup (NM_004021.3, NM_004013.3); c.2073_2075+2dup (NM_004014.3); c.1019+735_1019+739dup (NM_004018.3, NM_004017.3); c.1056_1058+2dup (NM_004016.3, NM_004015.3); and 2 more.
Identifiers: ClinVar variation 2820653 (VCV002820653.3), dbSNP rs2519909258, ClinGen allele CA2739268152.
Genomic context (GRCh38, chrX:31,177,929, plus strand): 5'-AAGAGAACCAAGCGAGCGAATGTGTTGGTGGTAGCAGCACCCTTCAGCAAAAAAAGTACT[C>CACGCA]ACGCAGAATCTACTGGCCAGAAGTTGATCAGAGTAACGGGACTGCAAAACAAAAAATGAG-3'

ClinVar aggregate classification (germline): Uncertain significance (1 of 4 stars; one submission).

Conditions:
Duchenne muscular dystrophy (DMD). Also called: MUSCULAR DYSTROPHY, PSEUDOHYPERTROPHIC PROGRESSIVE, DUCHENNE TYPE; Duchenne Muscular Dystrophy (DMD). Identifiers: Orphanet 98896, MedGen C0013264, MONDO:0010679, OMIM 310200.

Submission:

Labcorp Genetics (formerly Invitae), Labcorp
Classification: Uncertain significance for Duchenne muscular dystrophy. Last evaluated: 2022-12-14. Review status: criteria provided, single submitter. Criteria: Invitae Variant Classification Sherloc (09022015). Collection method: clinical testing. Allele origin: germline.
Comment: This sequence change falls in intron 71 of the DMD gene. It does not directly change the encoded amino acid sequence of the DMD protein. It affects a nucleotide within the consensus splice site. In summary, the available evidence is currently insufficient to determine the role of this variant in disease. Therefore, it has been classified as a Variant of Uncertain Significance. Variants that disrupt the consensus splice site are a relatively common cause of aberrant splicing (PMID: 17576681, 9536098). Algorithms developed to predict the effect of sequence changes on RNA splicing suggest that this variant may disrupt the consensus splice site. This variant has been observed in individual(s) with Duchenne muscular dystrophy (Invitae). This variant is not present in population databases (gnomAD no frequency).

Literature cited by the submitters: PubMed 17576681; PubMed 9536098.